The following is an entry in ClinVar:

NM_001771.4(CD22):c.117C>T (p.Cys39=)

Gene: CD22 (CD22 molecule; plus strand). Cytogenetic location: 19q13.12.
Variant type: single nucleotide variant.
Coding change: c.117C>T on transcript NM_001771.4 (MANE Select); coding-DNA position 117, C replaced by T.
Protein change: p.Cys39=; no amino-acid change (cysteine 39 retained).
Molecular consequence: synonymous variant. On other transcripts: 5 prime UTR variant (1).
Genome position (GRCh38, 1-based): chr19:35,332,629, C>T. VCF-style: chr19-35332629-C-T. GRCh37 (hg19) VCF-style: chr19-35823532-C-T.
Other names: c.117C>T, p.Cys39= (NM_001185099.2, NM_001185100.2, NM_001185101.2); c.-287C>T (NM_001278417.2).
Identifiers: ClinVar variation 2649717 (VCV002649717.24), dbSNP rs750364404, ClinGen allele CA9376506.

ClinVar aggregate classification (germline): Likely benign (1 of 4 stars; one submission).

Allele frequency attached by ClinVar (database versions not stated): ExAC 0.00001; gnomAD exomes 0.00001.
gnomAD v4.1: 8 of 1,614,044 alleles (0.0005%); highest among the groups gnomAD compares: East Asian, 0.0022%; no homozygotes.

Submission:

CeGaT Center for Human Genetics Tuebingen
Classification: Likely benign. Last evaluated: 2023-02-01. Review status: criteria provided, single submitter. Criteria: CeGaT Center For Human Genetics Tuebingen Variant Classification Criteria Version 2. Collection method: clinical testing. Allele origin: germline. Affected: yes. Observed: 1 variant allele.
Comment: CD22: BP4, BP7